The following is an entry in ClinVar:

NM_004304.5(ALK):c.3563A>G (p.Gln1188Arg)

Gene: ALK (ALK receptor tyrosine kinase; minus strand). Cytogenetic location: 2p23.2.
Variant type: single nucleotide variant.
Coding change: c.3563A>G on transcript NM_004304.5 (MANE Select); coding-DNA position 3563, A replaced by G.
Protein change: p.Gln1188Arg; replaces glutamine 1188 with arginine.
Molecular consequence: missense variant.
Genome position (GRCh38, 1-based): chr2:29,220,788, T>C on the plus strand (A>G on the coding strand, the complement: ALK is on the minus strand). VCF-style: chr2-29220788-T-C. GRCh37 (hg19) VCF-style: chr2-29443654-T-C.
Other names: c.359A>G, p.Gln120Arg (NM_001353765.2); c.3563A>G (NM_004304.4); short protein forms Q1188R, Q120R.
Identifiers: ClinVar variation 1024506 (VCV001024506.9), dbSNP rs1669781212, ClinGen allele CA346473101.

ClinVar aggregate classification (germline): Uncertain significance. Review status: criteria provided, multiple submitters, no conflicts (2 of 4 stars). 2 submissions from 2 submitters: Uncertain significance (2). Last evaluated 2024-04-28.

Conditions:
Hereditary cancer-predisposing syndrome. Also called: Hereditary neoplastic syndrome; Neoplastic Syndromes, Hereditary; Tumor predisposition; Hereditary Cancer Syndrome. Identifiers: Orphanet 140162, MedGen C0027672, MeSH D009386, MONDO:0015356.
Neuroblastoma, susceptibility to, 3. Also called: ALK-Related Neuroblastic Tumor Susceptibility. Identifiers: Orphanet 635, MedGen C2751681, MONDO:0013083, OMIM 613014.

Allele frequency attached by ClinVar (database versions not stated): gnomAD exomes below 0.00001.
gnomAD v4.1: 1 of 1,614,098 alleles (0.000062%); highest among the groups gnomAD compares: Non-Finnish European, 0.000085%; no homozygotes.

Submissions (2):

Ambry Genetics
Classification: Uncertain significance for Hereditary cancer-predisposing syndrome. Last evaluated: 2024-04-28. Review status: criteria provided, single submitter. Criteria: Ambry Variant Classification Scheme 2023. Collection method: clinical testing. Allele origin: germline.
Comment: The p.Q1188R variant (also known as c.3563A>G), located in coding exon 23 of the ALK gene, results from an A to G substitution at nucleotide position 3563. The glutamine at codon 1188 is replaced by arginine, an amino acid with highly similar properties. This amino acid position is conserved. In addition, the in silico prediction for this alteration is inconclusive. Based on the available evidence, the clinical significance of this variant remains unclear.

Labcorp Genetics (formerly Invitae), Labcorp
Classification: Uncertain significance for Neuroblastoma, susceptibility to, 3. Last evaluated: 2022-04-16. Review status: criteria provided, single submitter. Criteria: Invitae Variant Classification Sherloc (09022015). Collection method: clinical testing. Allele origin: germline.
Comment: This variant has not been reported in the literature in individuals affected with ALK-related conditions. This variant is not present in population databases (gnomAD no frequency). This sequence change replaces glutamine, which is neutral and polar, with arginine, which is basic and polar, at codon 1188 of the ALK protein (p.Gln1188Arg). ClinVar contains an entry for this variant (Variation ID: 1024506). In summary, the available evidence is currently insufficient to determine the role of this variant in disease. Therefore, it has been classified as a Variant of Uncertain Significance. Algorithms developed to predict the effect of missense changes on protein structure and function (SIFT, PolyPhen-2, Align-GVGD) all suggest that this variant is likely to be disruptive.